The following is an entry in ClinVar:

NM_005732.4(RAD50):c.1635+5G>C

Gene: RAD50 (RAD50 double strand break repair protein; plus strand). Cytogenetic location: 5q31.1.
Variant type: single nucleotide variant.
Coding change: c.1635+5G>C on transcript NM_005732.4 (MANE Select); 5 bases into the intron after coding-DNA position 1635, G replaced by C.
Molecular consequence: intron variant.
Genome position (GRCh38, 1-based): chr5:132,591,411, G>C. VCF-style: chr5-132591411-G-C. GRCh37 (hg19) VCF-style: chr5-131927103-G-C.
Identifiers: ClinVar variation 819650 (VCV000819650.5), dbSNP rs1580994525, ClinGen allele CA915943551.

ClinVar aggregate classification (germline): Uncertain significance (1 of 4 stars; one submission).

Conditions:
Hereditary cancer-predisposing syndrome. Also called: Neoplastic Syndromes, Hereditary; Tumor predisposition; Hereditary Cancer Syndrome; Hereditary neoplastic syndrome. Identifiers: Orphanet 140162, MedGen C0027672, MeSH D009386, MONDO:0015356.

Submission:

Ambry Genetics
Classification: Uncertain significance for Hereditary cancer-predisposing syndrome. Last evaluated: 2024-12-09. Review status: criteria provided, single submitter. Criteria: Ambry Variant Classification Scheme 2023. Collection method: clinical testing. Allele origin: germline.
Comment: The c.1635+5G>C intronic variant results from a G to C substitution 5 nucleotides after coding exon 10 in the RAD50 gene. This nucleotide position is well conserved in available vertebrate species. In silico splice site analysis predicts that this alteration will not have any significant effect on splicing. RNA studies have demonstrated this alteration results in an in frame exon skipping event; however the significance remains uncertain (Ambry internal data). Since supporting evidence is limited at this time, the clinical significance of this alteration remains unclear.